The following is an entry in ClinVar:

NM_030922.7(NIPA2):c.834T>C (p.Asp278=)

Gene: NIPA2 (NIPA magnesium transporter 2; plus strand). Cytogenetic location: 15q11.2.
Variant type: single nucleotide variant.
Coding change: c.834T>C on transcript NM_030922.7 (MANE Select); coding-DNA position 834, T replaced by C.
Protein change: p.Asp278=; no amino-acid change (aspartic acid 278 retained).
Molecular consequence: synonymous variant.
Genome position (GRCh38, 1-based): chr15:22,866,598, T>C. VCF-style: chr15-22866598-T-C. GRCh37 (hg19) VCF-style: chr15-23006470-A-G.
Other names: c.834T>C, p.Asp278= (NM_001008860.3, NM_001008892.3, NM_001184889.2); c.777T>C, p.Asp259= (NM_001008894.3, NM_001184888.2).
Identifiers: ClinVar variation 3052855 (VCV003052855.2), dbSNP rs141454645, ClinGen allele CA7425711.

ClinVar aggregate classification (germline): Likely benign (0 of 4 stars; one submission).

Conditions:
NIPA2-related disorder. Also called: NIPA2-related condition.

Allele frequency attached by ClinVar (database versions not stated): ESP Exome Variant Server 0.00008; gnomAD 0.00011; gnomAD exomes 0.00012; TOPMed 0.00013; ExAC 0.00016.
gnomAD v4.1: 197 of 1,614,084 alleles (0.012%); highest among the groups gnomAD compares: Non-Finnish European, 0.016%; 1 homozygote.

Submission:

PreventionGenetics, part of Exact Sciences
Classification: Likely benign for NIPA2-related condition. Last evaluated: 2019-09-09. Review status: no assertion criteria provided. Collection method: clinical testing. Allele origin: germline.
Comment: This variant is classified as likely benign based on ACMG/AMP sequence variant interpretation guidelines (Richards et al. 2015 PMID: 25741868, with internal and published modifications).